The following is an entry in ClinVar:

ClinVar aggregate classification (germline): Pathogenic/Likely pathogenic. Review status: criteria provided, multiple submitters, no conflicts (2 of 4 stars). 2 submissions from 2 submitters: Pathogenic (1); Likely pathogenic (1). Last evaluated 2024-07-15.

Conditions:
Retinal dystrophy. Also called: Inherited retinal dystrophy. Identifiers: Orphanet 71862, MedGen C0854723, MeSH D058499, MONDO:0019118, HP:0000556.

Submissions (2):

Labcorp Genetics (formerly Invitae), Labcorp
Classification: Pathogenic. Last evaluated: 2024-07-15. Review status: criteria provided, single submitter. Criteria: Invitae Variant Classification Sherloc (09022015). Collection method: clinical testing. Allele origin: germline.
Comment: This sequence change creates a premature translational stop signal (p.Glu729*) in the RP1 gene. While this is not anticipated to result in nonsense mediated decay, it is expected to disrupt the last 1428 amino acid(s) of the RP1 protein. This variant is not present in population databases (gnomAD no frequency). This variant has not been reported in the literature in individuals affected with RP1-related conditions. This variant disrupts the C-terminus of the RP1 protein. Many variants that disrupt this region have been reported in individuals with either autosomal dominant or autosomal recessive retinitis pigmentosa (PMID: 11527933, 19933189, 29425069, 30027431, 33681214). Therefore, variants that disrupt this region are expected to be disease-causing. For these reasons, this variant has been classified as Pathogenic.

Dept Of Ophthalmology, Nagoya University
Classification: Likely pathogenic for Retinal dystrophy. Last evaluated: 2023-10-01. Review status: criteria provided, single submitter. Criteria: Submitter's publication. Collection method: research. Allele origin: germline. Affected: yes.

Literature cited by the submitters: PubMed 11527933 (cited by Labcorp Genetics (formerly Invitae), Labcorp); PubMed 19933189 (cited by Labcorp Genetics (formerly Invitae), Labcorp); PubMed 29425069 (cited by Labcorp Genetics (formerly Invitae), Labcorp); PubMed 30027431 (cited by Labcorp Genetics (formerly Invitae), Labcorp); PubMed 33681214 (cited by Labcorp Genetics (formerly Invitae), Labcorp).

NM_006269.2(RP1):c.2185G>T (p.Glu729Ter)

Gene: RP1 (RP1 axonemal microtubule associated; plus strand). Cytogenetic location: 8q12.1.
Variant type: single nucleotide variant.
Coding change: c.2185G>T on transcript NM_006269.2 (MANE Select); coding-DNA position 2185, G replaced by T.
Protein change: p.Glu729Ter; replaces glutamic acid 729 with a stop codon.
Molecular consequence: nonsense. On other transcripts: intron variant (1).
Genome position (GRCh38, 1-based): chr8:54,626,067, G>T. VCF-style: chr8-54626067-G-T. GRCh37 (hg19) VCF-style: chr8-55538627-G-T.
Other names: c.787+3779G>T (NM_001375654.1); short protein forms E729*.
Identifiers: ClinVar variation 3028099 (VCV003028099.3), dbSNP rs2536573639, ClinGen allele CA370992922.